The following is an entry in ClinVar:

NM_001113378.2(FANCI):c.3670A>G (p.Asn1224Asp)

Gene: FANCI (FA complementation group I; plus strand). Cytogenetic location: 15q26.1.
Variant type: single nucleotide variant.
Coding change: c.3670A>G on transcript NM_001113378.2 (MANE Select); coding-DNA position 3670, A replaced by G.
Protein change: p.Asn1224Asp; replaces asparagine 1224 with aspartic acid.
Molecular consequence: missense variant.
Genome position (GRCh38, 1-based): chr15:89,312,922, A>G. VCF-style: chr15-89312922-A-G. GRCh37 (hg19) VCF-style: chr15-89856153-A-G.
Other names: c.3391A>G, p.Asn1131Asp (NM_001376910.1); c.3670A>G, p.Asn1224Asp (NM_001376911.1); c.3490A>G, p.Asn1164Asp (NM_018193.3); short protein forms N1131D, N1224D, N1164D.
Identifiers: ClinVar variation 3013190 (VCV003013190.1), dbSNP rs2508878153, ClinGen allele CA393742718.

ClinVar aggregate classification (germline): Uncertain significance (1 of 4 stars; one submission).

Conditions:
Fanconi anemia (FA). Also called: Fanconi's anemia. Identifiers: Orphanet 84, MedGen C0015625, MeSH D005199, MONDO:0019391.

Submission:

Labcorp Genetics (formerly Invitae), Labcorp
Classification: Uncertain significance for Fanconi anemia. Last evaluated: 2023-11-28. Review status: criteria provided, single submitter. Criteria: Invitae Variant Classification Sherloc (09022015). Collection method: clinical testing. Allele origin: germline.
Comment: This sequence change replaces asparagine, which is neutral and polar, with aspartic acid, which is acidic and polar, at codon 1224 of the FANCI protein (p.Asn1224Asp). This variant is not present in population databases (gnomAD no frequency). This variant has not been reported in the literature in individuals affected with FANCI-related conditions. An algorithm developed to predict the effect of missense changes on protein structure and function (PolyPhen-2) suggests that this variant¬†is likely to be tolerated. In summary, the available evidence is currently insufficient to determine the role of this variant in disease. Therefore, it has been classified as a Variant of Uncertain Significance.